The following is an entry in ClinVar:

NM_024334.3(TMEM43):c.1138G>T (p.Ala380Ser)

Gene: TMEM43 (transmembrane protein 43; plus strand). Cytogenetic location: 3p25.1.
Variant type: single nucleotide variant.
Coding change: c.1138G>T on transcript NM_024334.3 (MANE Select); coding-DNA position 1138, G replaced by T.
Protein change: p.Ala380Ser; replaces alanine 380 with serine.
Molecular consequence: missense variant.
Genome position (GRCh38, 1-based): chr3:14,141,730, G>T. VCF-style: chr3-14141730-G-T. GRCh37 (hg19) VCF-style: chr3-14183230-G-T.
Other names: c.1141G>T, p.Ala381Ser (NM_001407274.1); c.1135G>T, p.Ala379Ser (NM_001407275.1, NM_001407276.1); c.1132G>T, p.Ala378Ser (NM_001407277.1); c.1123G>T, p.Ala375Ser (NM_001407278.1); c.1063G>T, p.Ala355Ser (NM_001407279.1); c.988G>T, p.Ala330Ser (NM_001407280.1); short protein forms A330S, A355S, A375S, A378S, A379S, A380S, A381S.
Identifiers: ClinVar variation 3227832 (VCV003227832.1), dbSNP rs1481213376, ClinGen allele CA351536608.

ClinVar aggregate classification (germline): Uncertain significance (1 of 4 stars; one submission).

Conditions:
Cardiovascular phenotype. Identifiers: MedGen CN230736.

Allele frequency attached by ClinVar (database versions not stated): gnomAD 0.00001.

Submission:

Ambry Genetics
Classification: Uncertain significance for Cardiovascular phenotype. Last evaluated: 2023-12-16. Review status: criteria provided, single submitter. Criteria: Ambry Variant Classification Scheme 2023. Collection method: clinical testing. Allele origin: germline.
Comment: The p.A380S variant (also known as c.1138G>T), located in coding exon 12 of the TMEM43 gene, results from a G to T substitution at nucleotide position 1138. The alanine at codon 380 is replaced by serine, an amino acid with similar properties. This amino acid position is conserved. In addition, this alteration is predicted to be tolerated by in silico analysis. Since supporting evidence is limited at this time, the clinical significance of this alteration remains unclear.